The following is an entry in ClinVar:

ClinVar aggregate classification (germline): Pathogenic (1 of 4 stars; one submission).

Conditions:
DICER1-related tumor predisposition. Also called: DICER1 syndrome; DICER1-related pleuropulmonary blastoma cancer predisposition syndrome. Identifiers: Orphanet 284343, MedGen C3839822, MONDO:0100216.

Submission:

Labcorp Genetics (formerly Invitae), Labcorp
Classification: Pathogenic for DICER1-related tumor predisposition. Last evaluated: 2023-08-28. Review status: criteria provided, single submitter. Criteria: Invitae Variant Classification Sherloc (09022015). Collection method: clinical testing. Allele origin: unknown.
Comment: This variant results in the deletion of exons 15-16 and part of exon 17 (c.2256+828_2788del) of the DICER1 gene. It is expected to disrupt RNA splicing. Variants that disrupt the donor or acceptor splice site typically lead to a loss of protein function (PMID: 16199547), and loss-of-function variants in DICER1 are known to be pathogenic (PMID: 19556464, 21266384). This variant has not been reported in the literature in individuals affected with DICER1-related conditions. This variant disrupts a region of the DICER1 protein in which other variant(s) (p.Leu881Pro) have been determined to be pathogenic (PMID: 28960912, 31342592). This suggests that this is a clinically significant region of the protein, and that variants that disrupt it are likely to be disease-causing. For these reasons, this variant has been classified as Pathogenic.

Literature cited by the submitters: PubMed 16199547; PubMed 19556464; PubMed 21266384; PubMed 28960912; PubMed 31342592.

NC_000014.8:g.(?_95573961)_(95576826_?)del

Gene: DICER1 (dicer 1, ribonuclease III; minus strand). Cytogenetic location: 14q32.13.
Variant type: Deletion.
Identifiers: ClinVar variation 3244049 (VCV003244049.1).